The following is an entry in ClinVar:

ClinVar aggregate classification (germline): Uncertain significance (1 of 4 stars; one submission).

Conditions:
Cardiovascular phenotype. Identifiers: MedGen CN230736.

Submission:

Ambry Genetics
Classification: Uncertain significance for Cardiovascular phenotype. Last evaluated: 2024-06-10. Review status: criteria provided, single submitter. Criteria: Ambry Variant Classification Scheme 2023. Collection method: clinical testing. Allele origin: germline.
Comment: The p.P1407S variant (also known as c.4219C>T), located in coding exon 30 of the DMD gene, results from a C to T substitution at nucleotide position 4219. The proline at codon 1407 is replaced by serine, an amino acid with similar properties. This amino acid position is highly conserved in available vertebrate species. In addition, this alteration is predicted to be tolerated by in silico analysis. Based on the available evidence, the clinical significance of this variant remains unclear.

NM_004006.3(DMD):c.4219C>T (p.Pro1407Ser)

Gene: DMD (dystrophin; minus strand). Cytogenetic location: Xp21.1.
Variant type: single nucleotide variant.
Coding change: c.4219C>T on transcript NM_004006.3 (MANE Select); coding-DNA position 4219, C replaced by T.
Protein change: p.Pro1407Ser; replaces proline 1407 with serine.
Molecular consequence: missense variant.
Genome position (GRCh38, 1-based): chrX:32,411,766, G>A on the plus strand (C>T on the coding strand, the complement: DMD is on the minus strand). VCF-style: chrX-32411766-G-A. GRCh37 (hg19) VCF-style: chrX-32429883-G-A.
Other names: c.4195C>T, p.Pro1399Ser (NM_000109.4); c.4207C>T, p.Pro1403Ser (NM_004009.3); c.3850C>T, p.Pro1284Ser (NM_004010.3); c.196C>T, p.Pro66Ser (NM_004011.4); c.187C>T, p.Pro63Ser (NM_004012.4); short protein forms P1284S, P63S, P1399S, P1403S, P1407S, P66S.
Identifiers: ClinVar variation 3272385 (VCV003272385.1).